The following is an entry in ClinVar:

NM_000243.3(MEFV):c.1664A>C (p.Gln555Pro)

Gene: MEFV (MEFV innate immunity regulator, pyrin; minus strand). Cytogenetic location: 16p13.3.
Variant type: single nucleotide variant.
Coding change: c.1664A>C on transcript NM_000243.3 (MANE Select); coding-DNA position 1664, A replaced by C.
Protein change: p.Gln555Pro; replaces glutamine 555 with proline.
Molecular consequence: missense variant.
Genome position (GRCh38, 1-based): chr16:3,244,535, T>G on the plus strand (A>C on the coding strand, the complement: MEFV is on the minus strand). VCF-style: chr16-3244535-T-G. GRCh37 (hg19) VCF-style: chr16-3294535-T-G.
Other names: c.1031A>C, p.Gln344Pro (NM_001198536.2); short protein forms Q555P, Q344P.
Identifiers: ClinVar variation 1386886 (VCV001386886.7), dbSNP rs1958910539, ClinGen allele CA394458551.
Genomic context (GRCh38, chr16:3,244,535, plus strand): 5'-GAGAAGTACTTTGTGCTCTTCTCCACAAACTCTGACTTCTGGTGGAGGAGTTGGATCTTT[T>G]GTTTTATCTCTTGAGGAGTGGTCCACTTTTCAGGGACAGGCACTGTCTTAGCCCTAGAGA-3'
Protein context (NP_000234.1, residues 545-565): EKWTTPQEIK[Gln555Pro]KIQLLHQKSE

ClinVar aggregate classification (germline): Uncertain significance (1 of 4 stars; one submission).

Conditions:
Familial Mediterranean fever (FMF). Also called: Periodic peritonitis; Benign paroxysmal peritonitis; POLYSEROSITIS, FAMILIAL PAROXYSMAL; POLYSEROSITIS, RECURRENT. Identifiers: Orphanet 342, MedGen C0031069, MONDO:0018088, OMIM 249100. Disease mechanism: gain of function.

Allele frequency attached by ClinVar (database versions not stated): gnomAD exomes below 0.00001.
gnomAD v4.1: 1 of 1,614,202 alleles (0.000062%); highest among the groups gnomAD compares: Non-Finnish European, 0.000085%; no homozygotes.

Submission:

Labcorp Genetics (formerly Invitae), Labcorp
Classification: Uncertain significance for Familial Mediterranean fever. Last evaluated: 2024-02-26. Review status: criteria provided, single submitter. Criteria: Invitae Variant Classification Sherloc (09022015). Collection method: clinical testing. Allele origin: germline.
Comment: This sequence change replaces glutamine, which is neutral and polar, with proline, which is neutral and non-polar, at codon 555 of the MEFV protein (p.Gln555Pro). This variant is not present in population databases (gnomAD no frequency). This variant has not been reported in the literature in individuals affected with MEFV-related conditions. ClinVar contains an entry for this variant (Variation ID: 1386886). An algorithm developed to predict the effect of missense changes on protein structure and function (PolyPhen-2) suggests that this variant is likely to be tolerated. In summary, the available evidence is currently insufficient to determine the role of this variant in disease. Therefore, it has been classified as a Variant of Uncertain Significance.